The following is an entry in ClinVar:

ClinVar aggregate classification (germline): Uncertain significance (1 of 4 stars; one submission).

Conditions:
Combined immunodeficiency due to LRBA deficiency. Also called: Common variable immunodeficiency 8, with autoimmunity. Identifiers: Orphanet 445018, MedGen C3553512, MONDO:0013863, OMIM 614700.

Allele frequency attached by ClinVar (database versions not stated): ESP Exome Variant Server 0.00008; gnomAD exomes below 0.00001; gnomAD 0.00001.
gnomAD v4.1: 4 of 1,603,640 alleles (0.00025%); highest among the groups gnomAD compares: Non-Finnish European, 0.00034%; no homozygotes.

Submission:

Labcorp Genetics (formerly Invitae), Labcorp
Classification: Uncertain significance for Combined immunodeficiency due to LRBA deficiency. Last evaluated: 2021-12-24. Review status: criteria provided, single submitter. Criteria: Invitae Variant Classification Sherloc (09022015). Collection method: clinical testing. Allele origin: germline.
Comment: This sequence change replaces glutamic acid, which is acidic and polar, with aspartic acid, which is acidic and polar, at codon 1553 of the LRBA protein (p.Glu1553Asp). This variant is not present in population databases (gnomAD no frequency). This variant has not been reported in the literature in individuals affected with LRBA-related conditions. Algorithms developed to predict the effect of missense changes on protein structure and function are either unavailable or do not agree on the potential impact of this missense change (SIFT: "Tolerated"; PolyPhen-2: "Probably Damaging"; Align-GVGD: "Class C0"). In summary, the available evidence is currently insufficient to determine the role of this variant in disease. Therefore, it has been classified as a Variant of Uncertain Significance.

NM_001364905.1(LRBA):c.4659A>T (p.Glu1553Asp)

Gene: LRBA (LPS responsive beige-like anchor protein; minus strand). Cytogenetic location: 4q31.3.
Variant type: single nucleotide variant.
Coding change: c.4659A>T on transcript NM_001364905.1 (MANE Select); coding-DNA position 4659, A replaced by T.
Protein change: p.Glu1553Asp; replaces glutamic acid 1553 with aspartic acid.
Molecular consequence: missense variant.
Genome position (GRCh38, 1-based): chr4:150,831,887, T>A on the plus strand (A>T on the coding strand, the complement: LRBA is on the minus strand). VCF-style: chr4-150831887-T-A. GRCh37 (hg19) VCF-style: chr4-151753039-T-A.
Other names: c.4659A>T, p.Glu1553Asp (NM_001199282.3, NM_001367550.1, NM_006726.5); short protein forms E1553D.
Identifiers: ClinVar variation 1922993 (VCV001922993.5), dbSNP rs145434636, ClinGen allele CA107802075.
Genomic context (GRCh38, chr4:150,831,887, plus strand): 5'-TACATTCTCATTTTCACTGCCAGTTTCTGTACATGACTGGCTATGCCTTTCATTTTGGGG[T>A]TCCAAAATGTCTCTGTACTTGGAGACCATAAGAACAGAGATAAAGTATACTACTGCCAAG-3'
Protein context (NP_001351834.1, residues 1543-1563): LMVSKYRDIL[Glu1553Asp]PQNERHSQSC